The following is an entry in ClinVar:

ClinVar aggregate classification (germline): Conflicting classifications of pathogenicity. Review status: criteria provided, conflicting classifications (1 of 4 stars). 2 submissions from 2 submitters: Uncertain significance (1); Likely benign (1). Last evaluated 2025-12-08.

Conditions:
Inborn genetic diseases. Identifiers: MedGen C0950123, MeSH D030342.

Allele frequency attached by ClinVar (database versions not stated): gnomAD 0.00001; TOPMed 0.00001; gnomAD exomes 0.00003; ExAC 0.00004.
gnomAD v4.1: 45 of 1,560,364 alleles (0.0029%); highest among the groups gnomAD compares: South Asian, 0.006%; no homozygotes.

Submissions (2):

Labcorp Genetics (formerly Invitae), Labcorp
Classification: Uncertain significance. Last evaluated: 2025-12-08. Review status: criteria provided, single submitter. Criteria: Invitae Variant Classification Sherloc (09022015). Collection method: clinical testing. Allele origin: germline.
Comment: This sequence change replaces arginine, which is basic and polar, with cysteine, which is neutral and slightly polar, at codon 1216 of the RERE protein (p.Arg1216Cys). This variant is present in population databases (rs772325482, gnomAD 0.006%). This variant has not been reported in the literature in individuals affected with RERE-related conditions. ClinVar contains an entry for this variant (Variation ID: 1896015). Invitae Evidence Modeling of protein sequence and biophysical properties (such as structural, functional, and spatial information, amino acid conservation, physicochemical variation, residue mobility, and thermodynamic stability) has been performed for this missense variant. However, the output from this modeling did not meet the statistical confidence thresholds required to predict the impact of this variant on RERE protein function. In summary, the available evidence is currently insufficient to determine the role of this variant in disease. Therefore, it has been classified as a Variant of Uncertain Significance.

Ambry Genetics
Classification: Likely benign for Inborn genetic diseases. Last evaluated: 2025-11-03. Review status: criteria provided, single submitter. Criteria: Ambry Variant Classification Scheme 2023. Collection method: clinical testing. Allele origin: germline.

NM_001042681.2(RERE):c.3646C>T (p.Arg1216Cys)

Gene: RERE (arginine-glutamic acid dipeptide repeats; minus strand). Cytogenetic location: 1p36.23.
Variant type: single nucleotide variant.
Coding change: c.3646C>T on transcript NM_001042681.2 (MANE Select); coding-DNA position 3646, C replaced by T.
Protein change: p.Arg1216Cys; replaces arginine 1216 with cysteine.
Molecular consequence: missense variant.
Genome position (GRCh38, 1-based): chr1:8,358,889, G>A on the plus strand (C>T on the coding strand, the complement: RERE is on the minus strand). VCF-style: chr1-8358889-G-A. GRCh37 (hg19) VCF-style: chr1-8418949-G-A.
Other names: c.3646C>T (NM_012102.3); c.1984C>T, p.Arg662Cys (NM_001042682.2); c.3646C>T, p.Arg1216Cys (NM_012102.4); short protein forms R1216C, R662C.
Identifiers: ClinVar variation 1896015 (VCV001896015.6), dbSNP rs772325482, ClinGen allele CA571022.
Genomic context (GRCh38, chr1:8,358,889, plus strand): 5'-GTGGTGGCTCGAAGGATGGCCGCATGTGGCCAGGACCACTGAGCTGTGGGTCACTGAGGC[G>A]ACCTTCATGCGCTGAGCTGGACGCCTTCTGCAGAAGGAAAAGAAAGCGTGAGGGGTCCCC-3'
Protein context (NP_001036146.1, residues 1206-1226): AKASSSAHEG[Arg1216Cys]LSDPQLSGPG